The following is an entry in ClinVar:

NM_021008.4(DEAF1):c.56_58dup (p.Val19_Ala20insVal)

Gene: DEAF1 (DEAF1 transcription factor; minus strand). Cytogenetic location: 11p15.5.
Variant type: Duplication.
Coding change: c.56_58dup on transcript NM_021008.4 (MANE Select); coding-DNA positions 56 to 58, 3 bases duplicated (TGG; older notation c.56_58dupTGG).
Protein change: p.Val19_Ala20insVal.
Molecular consequence: inframe insertion. On other transcripts: inframe indel (1), intron variant (1).
Genome position (GRCh38, 1-based): chr11:694,990-694,992, CCA duplicated on the plus strand (TGG on the coding strand, the reverse complement: DEAF1 is on the minus strand); duplicating any 3 consecutive bases within chr11:694,990-694,994 gives the same sequence; the c. name uses the placement nearest the transcript's 3' end. VCF-style (leftmost placement, unchanged base first): chr11-694989-G-GCCA. GRCh37 (hg19) VCF-style: chr11-694989-G-GCCA.
Other names: c.54_56dup, p.Val19_Ala20insVal (NM_001293634.2); c.-437-3394_-437-3392dup (NM_001367390.1).
Identifiers: ClinVar variation 2919104 (VCV002919104.3), dbSNP rs1445772540, ClinGen allele CA934302376.
Genomic context (GRCh38, chr11:694,989, plus strand): 5'-GGCTCCTCCGCCTCGCCTCCTGCCGCGGCCGCGGCCGCCGCCGCCACAGCGGCCGCGGCC[G>GCCA]CCACCGCCGCCGCCTCAGCCAGGCCCAGCTGCTTTGCCGCCGAGTCCGAGTCCTCCATCC-3'

ClinVar aggregate classification (germline): Uncertain significance (1 of 4 stars; one submission).

Submission:

Labcorp Genetics (formerly Invitae), Labcorp
Classification: Uncertain significance. Last evaluated: 2023-04-18. Review status: criteria provided, single submitter. Criteria: Invitae Variant Classification Sherloc (09022015). Collection method: clinical testing. Allele origin: germline.
Comment: In summary, the available evidence is currently insufficient to determine the role of this variant in disease. Therefore, it has been classified as a Variant of Uncertain Significance. This variant has not been reported in the literature in individuals affected with DEAF1-related conditions. This variant is not present in population databases (gnomAD no frequency). This variant, c.56_58dup, results in the insertion of 1 amino acid(s) of the DEAF1 protein (p.Val19dup), but otherwise preserves the integrity of the reading frame.